The following is an entry in ClinVar:

NM_006904.7(PRKDC):c.1312C>T (p.Leu438Phe)

Gene: PRKDC (protein kinase, DNA-activated, catalytic subunit; minus strand). Cytogenetic location: 8q11.21.
Variant type: single nucleotide variant.
Coding change: c.1312C>T on transcript NM_006904.7 (MANE Select); coding-DNA position 1312, C replaced by T.
Protein change: p.Leu438Phe; replaces leucine 438 with phenylalanine.
Molecular consequence: missense variant.
Genome position (GRCh38, 1-based): chr8:47,935,867, G>A on the plus strand (C>T on the coding strand, the complement: PRKDC is on the minus strand). VCF-style: chr8-47935867-G-A. GRCh37 (hg19) VCF-style: chr8-48848427-G-A.
Other names: c.1312C>T, p.Leu438Phe (NM_001081640.2); short protein forms L438F.
Identifiers: ClinVar variation 3225738 (VCV003225738.1), dbSNP rs1324484032, ClinGen allele CA371165952.

ClinVar aggregate classification (germline): Uncertain significance (1 of 4 stars; one submission).

Submission:

Ambry Genetics
Classification: Uncertain significance. Last evaluated: 2023-11-28. Review status: criteria provided, single submitter. Criteria: Ambry Variant Classification Scheme 2023. Collection method: clinical testing. Allele origin: germline.
Comment: The p.L438F variant (also known as c.1312C>T), located in coding exon 13 of the PRKDC gene, results from a C to T substitution at nucleotide position 1312. The leucine at codon 438 is replaced by phenylalanine, an amino acid with highly similar properties. This amino acid position is conserved. In addition, the in silico prediction for this alteration is inconclusive. Since supporting evidence is limited at this time, the clinical significance of this alteration remains unclear.